The following is an entry in ClinVar:

ClinVar aggregate classification (germline): Uncertain significance. Review status: criteria provided, multiple submitters, no conflicts (2 of 4 stars). 3 submissions from 3 submitters: Uncertain significance (3). Last evaluated 2022-08-09.

Conditions:
Developmental and epileptic encephalopathy, 42 (DEE42A). Also called: DEVELOPMENTAL AND EPILEPTIC ENCEPHALOPATHY 42A; EPILEPTIC ENCEPHALOPATHY, EARLY INFANTILE, 42A; Epileptic encephalopathy, early infantile, 42. Identifiers: MedGen C4310716, MONDO:0014917, OMIM 617106.
Episodic ataxia type 2 (EA2). Also called: ATAXIA, EPISODIC, WITH NYSTAGMUS; ATAXIA, FAMILIAL PAROXYSMAL; CEREBELLAR ATAXIA, PAROXYSMAL, ACETAZOLAMIDE-RESPONSIVE; CEREBELLOPATHY, HEREDITARY PAROXYSMAL; ACETAZOLAMIDE-RESPONSIVE HEREDITARY PAROXYSMAL CEREBELLAR ATAXIA; EPISODIC ATAXIA, NYSTAGMUS-ASSOCIATED. Identifiers: Orphanet 97, MedGen C1720416, MONDO:0007163, OMIM 108500.

Allele frequency attached by ClinVar (database versions not stated): TOPMed below 0.00001; gnomAD 0.00001; gnomAD exomes 0.00001.
gnomAD v4.1: 5 of 1,612,314 alleles (0.00031%); highest among the groups gnomAD compares: Non-Finnish European, 0.00042%; no homozygotes.

Submissions (3):

Labcorp Genetics (formerly Invitae), Labcorp
Classification: Uncertain significance for Developmental and epileptic encephalopathy, 42; Episodic ataxia type 2. Last evaluated: 2022-08-09. Review status: criteria provided, single submitter. Criteria: Invitae Variant Classification Sherloc (09022015). Collection method: clinical testing. Allele origin: germline.
Comment: In summary, the available evidence is currently insufficient to determine the role of this variant in disease. Therefore, it has been classified as a Variant of Uncertain Significance. Advanced modeling of protein sequence and biophysical properties (such as structural, functional, and spatial information, amino acid conservation, physicochemical variation, residue mobility, and thermodynamic stability) performed at Invitae indicates that this missense variant is not expected to disrupt CACNA1A protein function. ClinVar contains an entry for this variant (Variation ID: 385371). This missense change has been observed in individual(s) with clinical features of CACNA1A-related conditions (Invitae). The frequency data for this variant in the population databases is considered unreliable, as metrics indicate poor data quality at this position in the gnomAD database. This sequence change replaces alanine, which is neutral and non-polar, with serine, which is neutral and polar, at codon 842 of the CACNA1A protein (p.Ala842Ser).

CeGaT Center for Human Genetics Tuebingen
Classification: Uncertain significance. Last evaluated: 2018-05-01. Review status: criteria provided, single submitter. Criteria: CeGaT Center For Human Genetics Tuebingen Variant Classification Criteria Version 2. Collection method: clinical testing. Allele origin: germline. Affected: yes. Observed: 1 variant allele.

GeneDx
Classification: Uncertain significance. Last evaluated: 2016-04-18. Review status: criteria provided, single submitter. Criteria: GeneDx Variant Classification (06012015). Collection method: clinical testing. Allele origin: germline. Affected: yes.
Comment: A variant of uncertain significance has been identified in the CACNA1A gene. The A842S variant has not been published as a pathogenic variant, nor has it been reported as a benign variant to our knowledge. It was not observed in approximately 6,100 individuals of European and African American ancestry in the NHLBI Exome Sequencing Project, indicating it is not a common benign variant in these populations. The A842S variant is a non-conservative amino acid substitution, which is likely to impact secondary protein structure as these residues differ in polarity, charge, size and/or other properties. However, this substitution occurs at a position that is not conserved and in silico analysis predicts this variant likely does not alter the protein structure/function. Therefore, based on the currently available information, it is unclear whether this variant is a pathogenic variant or a rare benign variant.

NM_001127222.2(CACNA1A):c.2521G>T (p.Ala841Ser)

Gene: CACNA1A (calcium voltage-gated channel subunit alpha1 A; minus strand). Cytogenetic location: 19p13.13.
Variant type: single nucleotide variant.
Coding change: c.2521G>T on transcript NM_001127222.2 (MANE Select); coding-DNA position 2521, G replaced by T.
Protein change: p.Ala841Ser; replaces alanine 841 with serine.
Molecular consequence: missense variant.
Genome position (GRCh38, 1-based): chr19:13,299,112, C>A on the plus strand (G>T on the coding strand, the complement: CACNA1A is on the minus strand). VCF-style: chr19-13299112-C-A. GRCh37 (hg19) VCF-style: chr19-13409926-C-A.
Other names: c.2533G>T, p.Ala845Ser (NM_000068.4, NM_023035.3); c.2524G>T, p.Ala842Ser (NM_001127221.2, NM_001174080.2); short protein forms A842S, A841S, A845S.
Identifiers: ClinVar variation 385371 (VCV000385371.51), dbSNP rs1057522204, ClinGen allele CA16608165.